The following is an entry in ClinVar:

ClinVar aggregate classification (germline): Uncertain significance (1 of 4 stars; one submission).

Conditions:
Hereditary spastic paraplegia 48. Also called: Spastic paraplegia 48; SPASTIC PARAPLEGIA 48, AUTOSOMAL RECESSIVE. Identifiers: Orphanet 306511, MedGen C3150901, MONDO:0013342, OMIM 613647.

Submission:

Labcorp Genetics (formerly Invitae), Labcorp
Classification: Uncertain significance for Hereditary spastic paraplegia 48. Last evaluated: 2024-10-22. Review status: criteria provided, single submitter. Criteria: Invitae Variant Classification Sherloc (09022015). Collection method: clinical testing. Allele origin: germline.
Comment: This sequence change replaces threonine, which is neutral and polar, with serine, which is neutral and polar, at codon 530 of the AP5Z1 protein (p.Thr530Ser). This variant is not present in population databases (gnomAD no frequency). This variant has not been reported in the literature in individuals affected with AP5Z1-related conditions. ClinVar contains an entry for this variant (Variation ID: 2005000). Invitae Evidence Modeling of protein sequence and biophysical properties (such as structural, functional, and spatial information, amino acid conservation, physicochemical variation, residue mobility, and thermodynamic stability) indicates that this missense variant is not expected to disrupt AP5Z1 protein function with a negative predictive value of 80%. In summary, the available evidence is currently insufficient to determine the role of this variant in disease. Therefore, it has been classified as a Variant of Uncertain Significance.

NM_014855.3(AP5Z1):c.1589C>G (p.Thr530Ser)

Gene: AP5Z1 (adaptor related protein complex 5 subunit zeta 1; plus strand). Cytogenetic location: 7p22.1.
Variant type: single nucleotide variant.
Coding change: c.1589C>G on transcript NM_014855.3 (MANE Select); coding-DNA position 1589, C replaced by G.
Protein change: p.Thr530Ser; replaces threonine 530 with serine.
Molecular consequence: missense variant. On other transcripts: non-coding transcript variant (1).
Genome position (GRCh38, 1-based): chr7:4,788,288, C>G. VCF-style: chr7-4788288-C-G. GRCh37 (hg19) VCF-style: chr7-4827919-C-G.
Other names: c.1121C>G, p.Thr374Ser (NM_001364858.1); short protein forms T374S, T530S.
Identifiers: ClinVar variation 2005000 (VCV002005000.4), dbSNP rs1008251783, ClinGen allele CA366663372.